The following is an entry in ClinVar:

NM_001267550.2(TTN):c.98171T>C (p.Leu32724Pro)

Genes: TTN (titin; minus strand), TTN-AS1 (TTN antisense RNA 1; plus strand). Cytogenetic location: 2q31.2.
Variant type: single nucleotide variant.
Coding change: c.98171T>C on transcript NM_001267550.2 (MANE Select); coding-DNA position 98171, T replaced by C.
Protein change: p.Leu32724Pro; replaces leucine 32724 with proline.
Molecular consequence: missense variant.
Genome position (GRCh38, 1-based): chr2:178,539,894, A>G on the plus strand (T>C on the coding strand, the complement: TTN is on the minus strand). VCF-style: chr2-178539894-A-G. GRCh37 (hg19) VCF-style: chr2-179404621-A-G.
Other names: c.93248T>C, p.Leu31083Pro (NM_001256850.1); c.70976T>C, p.Leu23659Pro (NM_003319.4); c.90467T>C, p.Leu30156Pro (NM_133378.4); c.71351T>C, p.Leu23784Pro (NM_133432.3); c.71552T>C, p.Leu23851Pro (NM_133437.4); short protein forms L32724P, L23659P, L30156P, L31083P, L23784P, L23851P.
Identifiers: ClinVar variation 4795235 (VCV004795235.1).

ClinVar aggregate classification (germline): VUS-high (1 of 4 stars; one submission).

Conditions:
Autosomal recessive titinopathy. Identifiers: MedGen CN315649, MONDO:0100493.

gnomAD v4.1: 1 of 1,613,818 alleles (0.000062%); highest among the groups gnomAD compares: African/African-American, 0.0013%; no homozygotes.

Submission:

Myofin, Folkhalsan Research Center
Classification: VUS-high for Autosomal recessive titinopathy. Last evaluated: 2026-02-06. Review status: criteria provided, single submitter. Criteria: ACMG Guidelines, 2015. Collection method: research. Allele origin: germline. Affected: yes.
Comment: The variant is rare in population databases (MAF 6.196e-7 in gnomAD; no homozygotes reported) and has a high deleterious computational prediction (AlphaMissense 0.9920). Given limited case-level evidence and lack of robust variant-level functional/replication data, we classify this variant as Uncertain significance (VUS-high) for recessive titinopathy.

Literature cited by the submitters: DOI 10.1101/2025.07.17.25331149.